The following is an entry in ClinVar:

ClinVar aggregate classification (germline): Conflicting classifications of pathogenicity. Review status: criteria provided, conflicting classifications (1 of 4 stars). 5 submissions from 5 submitters: Uncertain significance (4); Likely benign (1). Last evaluated 2026-01-28.

Conditions:
Cardiovascular phenotype. Identifiers: MedGen CN230736.
Cardiomyopathy (CMYO). Also called: Cardiomyopathies. Identifiers: Orphanet 167848, MedGen C0878544, MONDO:0004994, HP:0001638. Inheritance: Various modes of inheritance.
Arrhythmogenic cardiomyopathy with wooly hair and keratoderma. Also called: Dilated cardiomyopathy with woolly hair and keratoderma; PALMOPLANTAR KERATODERMA WITH LEFT VENTRICULAR CARDIOMYOPATHY AND WOOLLY HAIR; Arrhythmogenic cardiomyopathy with woolly hair and keratoderma; Carvajal syndrome. Identifiers: Orphanet 65282, MedGen C1854063, MONDO:0011581, OMIM 605676.
Lethal acantholytic epidermolysis bullosa (EBLA). Identifiers: Orphanet 158687, MedGen C1864826, MONDO:0012323, OMIM 609638.
Woolly hair-skin fragility syndrome (WHSF). Identifiers: Orphanet 293165, MedGen C1843292, MONDO:0957307, OMIM 620415.
Keratosis palmoplantaris striata 2. Also called: KERATODERMA, PALMOPLANTAR, STRIATE FORM II; STRIATE PALMOPLANTAR KERATODERMA II; Keratosis palmoplantaris striata II. Identifiers: MedGen C1852127, MONDO:0013034, OMIM 612908.
Cardiomyopathy, dilated, with wooly hair, keratoderma, and tooth agenesis. Also called: Cardiomyopathy, dilated, with woolly hair, keratoderma, and tooth agenesis; Erythrokeratodermia-cardiomyopathy syndrome. Identifiers: Orphanet 476096, Orphanet 65282, MedGen C4014393, MONDO:0014355, OMIM 615821.
Arrhythmogenic right ventricular dysplasia 8 (ARVD8). Also called: Arrhythmogenic Right Ventricular Dysplasia/Cardiomyopathy 8; ARRHYTHMOGENIC RIGHT VENTRICULAR DYSPLASIA, FAMILIAL, 8; ARRHYTHMOGENIC RIGHT VENTRICULAR CARDIOMYOPATHY 8. Identifiers: MedGen C1843896, MONDO:0011831, OMIM 607450.

Allele frequency attached by ClinVar (database versions not stated): ExAC 0.00002; gnomAD 0.00002; gnomAD exomes 0.00002; TOPMed 0.00002; ESP Exome Variant Server 0.00008.
gnomAD v4.1: 14 of 1,614,058 alleles (0.00087%); highest among the groups gnomAD compares: East Asian, 0.0045%; no homozygotes.

Submissions (5):

Labcorp Genetics (formerly Invitae), Labcorp
Classification: Likely benign for Arrhythmogenic cardiomyopathy with wooly hair and keratoderma; Arrhythmogenic right ventricular dysplasia 8. Last evaluated: 2026-01-28. Review status: criteria provided, single submitter. Criteria: Invitae Variant Classification Sherloc (09022015). Collection method: clinical testing. Allele origin: germline.

Ambry Genetics
Classification: Uncertain significance for Cardiovascular phenotype. Last evaluated: 2025-05-16. Review status: criteria provided, single submitter. Criteria: Ambry Variant Classification Scheme 2023. Collection method: clinical testing. Allele origin: germline.
Comment: The p.R606W variant (also known as c.1816C>T), located in coding exon 14 of the DSP gene, results from a C to T substitution at nucleotide position 1816. The arginine at codon 606 is replaced by tryptophan, an amino acid with dissimilar properties. This alteration has been reported in a dilated cardiomyopathy (DCM) cohort; however, clinical details were limited (Gigli M et al. J Am Coll Cardiol, 2019 Sep;74:1480-1490). This amino acid position is well conserved in available vertebrate species. In addition, the in silico prediction for this alteration is inconclusive. Since supporting evidence is limited at this time, the clinical significance of this alteration remains unclear.

Women's Health and Genetics/Laboratory Corporation of America, LabCorp
Classification: Uncertain significance. Last evaluated: 2025-05-09. Review status: criteria provided, single submitter. Criteria: LabCorp Variant Classification Summary - May 2015. Collection method: clinical testing. Allele origin: germline.
Comment: Variant summary: DSP c.1816C>T (p.Arg606Trp) results in a non-conservative amino acid change in the encoded protein sequence. Algorithms developed to predict the effect of missense changes on protein structure and function are either unavailable or do not agree on the potential impact of this missense change. The variant allele was found at a frequency of 2.4e-05 in 251290 control chromosomes. The available data on variant occurrences in the general population are insufficient to allow any conclusion about variant significance. c.1816C>T has been observed in an individual from a dilated cardiomyopathy cohort (Gigli_2019). These data do not allow any conclusion about variant significance. To our knowledge, no experimental evidence demonstrating an impact on protein function has been reported. The following publication has been ascertained in the context of this evaluation (PMID: 31514951). ClinVar contains an entry for this variant (Variation ID: 659134). Based on the evidence outlined above, the variant was classified as uncertain significance.

Color Diagnostics, LLC DBA Color Health
Classification: Uncertain significance for Cardiomyopathy. Last evaluated: 2024-05-14. Review status: criteria provided, single submitter. Criteria: ACMG Guidelines, 2015. Collection method: clinical testing. Allele origin: germline.
Comment: This missense variant replaces arginine with tryptophan at codon 606 of the DSP protein. Computational prediction suggests that this variant may not impact protein structure and function (internally defined REVEL score threshold <= 0.5, PMID: 27666373). To our knowledge, functional studies have not been reported for this variant. This variant has been reported in an individual affected with dilated cardiomyopathy (PMID: 31514951). This variant has been identified in 6/251290 chromosomes in the general population by the Genome Aggregation Database (gnomAD). The available evidence is insufficient to determine the role of this variant in disease conclusively. Therefore, this variant is classified as a Variant of Uncertain Significance.

Fulgent Genetics
Classification: Uncertain significance for Arrhythmogenic cardiomyopathy with wooly hair and keratoderma; Arrhythmogenic right ventricular dysplasia 8; Lethal acantholytic epidermolysis bullosa; Keratosis palmoplantaris striata 2; Cardiomyopathy, dilated, with wooly hair, keratoderma, and tooth agenesis. Last evaluated: 2021-09-04. Review status: criteria provided, single submitter. Criteria: ACMG Guidelines, 2015. Collection method: clinical testing. Allele origin: unknown.

Literature cited by the submitters: PubMed 31514951 (cited by 3 submitters).

NM_004415.4(DSP):c.1816C>T (p.Arg606Trp)

Gene: DSP (desmoplakin; plus strand). Cytogenetic location: 6p24.3.
Variant type: single nucleotide variant.
Coding change: c.1816C>T on transcript NM_004415.4 (MANE Select); coding-DNA position 1816, C replaced by T.
Protein change: p.Arg606Trp; replaces arginine 606 with tryptophan.
Molecular consequence: missense variant.
Genome position (GRCh38, 1-based): chr6:7,571,497, C>T. VCF-style: chr6-7571497-C-T. GRCh37 (hg19) VCF-style: chr6-7571730-C-T.
Other names: c.1816C>T (LRG_423t1); c.1816C>T, p.Arg606Trp (NM_001008844.3, NM_001319034.2); short protein forms R606W.
Identifiers: ClinVar variation 659134 (VCV000659134.19), dbSNP rs372467697, ClinGen allele CA030118.